The following is an entry in ClinVar:

ClinVar aggregate classification (germline): Uncertain significance. Review status: criteria provided, multiple submitters, no conflicts (2 of 4 stars). 2 submissions from 2 submitters: Uncertain significance (2). Last evaluated 2025-08-18.

Allele frequency attached by ClinVar (database versions not stated): gnomAD 0.00001; gnomAD exomes 0.00002; TOPMed below 0.00001; ExAC 0.00001.
gnomAD v4.1: 26 of 1,613,240 alleles (0.0016%); highest among the groups gnomAD compares: Middle Eastern, 0.016%; no homozygotes.

Submissions (2):

Dasa
Classification: Uncertain significance. Last evaluated: 2025-08-18. Review status: criteria provided, single submitter. Criteria: DASA Assertion Criteria. Collection method: clinical testing. Allele origin: germline.
Comment: NM_004145.4(MYO9B):c.3446A>G (p.Glu1149Gly) is a missense variant that results in the substitution of glutamic acid with glycine. This variant is rare in population databases. The currently available literature and clinical evidence are not sufficient to establish a definitive association between this variant and the reported condition. Therefore, this variant is classified as a variant of uncertain significance.

Ambry Genetics
Classification: Uncertain significance. Last evaluated: 2024-01-03. Review status: criteria provided, single submitter. Criteria: Ambry Variant Classification Scheme 2023. Collection method: clinical testing. Allele origin: germline.

NM_004145.4(MYO9B):c.3446A>G (p.Glu1149Gly)

Gene: MYO9B (myosin IXB; plus strand). Cytogenetic location: 19p13.11.
Variant type: single nucleotide variant.
Coding change: c.3446A>G on transcript NM_004145.4 (MANE Select); coding-DNA position 3446, A replaced by G.
Protein change: p.Glu1149Gly; replaces glutamic acid 1149 with glycine.
Molecular consequence: missense variant.
Genome position (GRCh38, 1-based): chr19:17,194,873, A>G. VCF-style: chr19-17194873-A-G. GRCh37 (hg19) VCF-style: chr19-17305682-A-G.
Other names: c.3446A>G, p.Glu1149Gly (NM_001130065.2); short protein forms E1149G.
Identifiers: ClinVar variation 3167100 (VCV003167100.3), dbSNP rs769289281, ClinGen allele CA9287860.
Genomic context (GRCh38, chr19:17,194,873, plus strand): 5'-CCCAGAAAACCGTGGCGGCTGAAAGTCACGAGAAAGTCCCCAGCAGCCGGGAGAAGCGTG[A>G]GTCGCGTCGGCAAAGAGGGCTGGAGCACGTCAAGTTCCAGAACAAACACATCCAGTCCTG-3'
Protein context (NP_004136.2, residues 1139-1159): EKVPSSREKR[Glu1149Gly]SRRQRGLEHV